The following is an entry in ClinVar:

NM_000368.5(TSC1):c.1607_1616del (p.Leu536fs)

Gene: TSC1 (TSC complex subunit 1; minus strand). Cytogenetic location: 9q34.13.
Variant type: Deletion.
Coding change: c.1607_1616del on transcript NM_000368.5 (MANE Select); coding-DNA positions 1607 to 1616, 10 bases deleted (TACACTCCTC; older notation c.1607_1616delTACACTCCTC).
Protein change: p.Leu536fs; shifts the reading frame from leucine 536.
Molecular consequence: frameshift variant.
Genome position (GRCh38, 1-based): chr9:132,905,962-132,905,971, GAGGAGTGTA deleted on the plus strand (TACACTCCTC on the coding strand, the reverse complement: TSC1 is on the minus strand). VCF-style (leftmost placement, unchanged base first): chr9-132905961-GGAGGAGTGTA-G. GRCh37 (hg19) VCF-style: chr9-135781348-GGAGGAGTGTA-G.
Other names: c.1604_1613del, p.Leu535fs (NM_001162426.2); c.1454_1463del, p.Leu485fs (NM_001162427.2); c.1244_1253del, p.Leu415fs (NM_001362177.2); c.1607_1616delTACACTCCTC, p.Leu536Serfs (NM_001406592.1, NM_001406593.1, NM_001406594.1 and 7 more transcripts); c.1604_1613delTACACTCCTC, p.Leu535Serfs (NM_001406597.1, NM_001406598.1, NM_001406599.1 and 5 more transcripts); c.1454_1463delTACACTCCTC, p.Leu485Serfs (NM_001406610.1); c.1451_1460delTACACTCCTC, p.Leu484Serfs (NM_001406611.1, NM_001406612.1, NM_001406613.1); c.1244_1253delTACACTCCTC, p.Leu415Serfs (NM_001406614.1, NM_001406615.1, NM_001406616.1 and 4 more transcripts); and 4 more; short protein forms L485fs, L535fs, L415fs, L536fs.
Identifiers: ClinVar variation 2110505 (VCV002110505.4), dbSNP rs2538733599, ClinGen allele CA2580079931.
Genomic context (GRCh38, chr9:132,905,961, plus strand): 5'-GCAGGGCAGGTCTATGGGAGTAAAGGCTTGCTTTGGTGTGTCAGGCCCAAGCTTGTCCAG[GGAGGAGTGTA>G]AAGGCTCAGGGTTCACGCTGGCGCCCTGAGAACTGGAGGCTGCCGAGTGGGTCTTCCGCT-3'

ClinVar aggregate classification (germline): Pathogenic (1 of 4 stars; one submission).

Conditions:
Tuberous sclerosis 1 (TSC1). Identifiers: Orphanet 805, MedGen C1854465, MONDO:0008612, OMIM 191100.

Submission:

Labcorp Genetics (formerly Invitae), Labcorp
Classification: Pathogenic for Tuberous sclerosis 1. Last evaluated: 2022-03-12. Review status: criteria provided, single submitter. Criteria: Invitae Variant Classification Sherloc (09022015). Collection method: clinical testing. Allele origin: germline.
Comment: This sequence change creates a premature translational stop signal (p.Leu536Serfs*17) in the TSC1 gene. It is expected to result in an absent or disrupted protein product. Loss-of-function variants in TSC1 are known to be pathogenic (PMID: 10227394, 17304050). For these reasons, this variant has been classified as Pathogenic. This variant has not been reported in the literature in individuals affected with TSC1-related conditions. This variant is not present in population databases (gnomAD no frequency).

Literature cited by the submitters: PubMed 10227394; PubMed 17304050.